The following is an entry in ClinVar:

NM_001020658.2(PUM1):c.1058T>G (p.Val353Gly)

Gene: PUM1 (pumilio RNA binding family member 1; minus strand). Cytogenetic location: 1p35.2.
Variant type: single nucleotide variant.
Coding change: c.1058T>G on transcript NM_001020658.2 (MANE Select); coding-DNA position 1058, T replaced by G.
Protein change: p.Val353Gly; replaces valine 353 with glycine.
Molecular consequence: missense variant.
Genome position (GRCh38, 1-based): chr1:30,992,490, A>C on the plus strand (T>G on the coding strand, the complement: PUM1 is on the minus strand). VCF-style: chr1-30992490-A-C. GRCh37 (hg19) VCF-style: chr1-31465337-A-C.
Other names: c.1058T>G, p.Val353Gly (NM_014676.3); short protein forms V353G.
Identifiers: ClinVar variation 1306074 (VCV001306074.2), dbSNP rs1244552399, ClinGen allele CA339569031.

ClinVar aggregate classification (germline): Uncertain significance (1 of 4 stars; one submission).

Submission:

GeneDx
Classification: Uncertain significance. Last evaluated: 2019-05-28. Review status: criteria provided, single submitter. Criteria: GeneDx Variant Classification Process June 2021. Collection method: clinical testing. Allele origin: germline. Affected: yes.
Comment: Not observed in large population cohorts (Lek et al., 2016); In silico analysis, which includes protein predictors and evolutionary conservation, supports a deleterious effect; Has not been previously published as pathogenic or benign to our knowledge